The following is an entry in ClinVar:

ClinVar aggregate classification (germline): Pathogenic (1 of 4 stars; one submission).

Conditions:
Inborn genetic diseases. Identifiers: MedGen C0950123, MeSH D030342.

Submission:

Ambry Genetics
Classification: Pathogenic for Inborn genetic diseases. Last evaluated: 2026-08-25. Review status: criteria provided, single submitter. Criteria: Ambry Variant Classification Scheme 2023. Collection method: clinical testing. Allele origin: germline.
Comment: The c.1616dupA (p.L540Afs*58) alteration, located in exon 5 (coding exon 5) of the SETD1B gene, consists of a duplication of A at position 1616, causing a translational frameshift with a predicted alternate stop codon after 58 amino acids. This variant is expected to result in loss of function by premature protein truncation or nonsense-mediated mRNA decay. This variant was not reported in population-based cohorts in the Genome Aggregation Database (gnomAD). Based on the available evidence, this alteration is classified as pathogenic.

NM_001353345.2(SETD1B):c.1616dup (p.Leu540fs)

Gene: SETD1B (SET domain containing 1B, histone lysine methyltransferase; plus strand). Cytogenetic location: 12q24.31.
Variant type: Duplication.
Coding change: c.1616dup on transcript NM_001353345.2 (MANE Select); coding-DNA position 1616, one base duplicated (A; older notation c.1616dupA).
Protein change: p.Leu540fs; shifts the reading frame from leucine 540.
Molecular consequence: frameshift variant.
Genome position (GRCh38, 1-based): chr12:121,810,561, A duplicated. VCF-style (leftmost placement, unchanged base first): chr12-121810560-C-CA. GRCh37 (hg19) VCF-style: chr12-122248466-C-CA.
Other names: NM_015048.1:c.1616dupA; short protein forms L540fs.
Identifiers: ClinVar variation 5029424 (VCV005029424.1).